The following is an entry in ClinVar:

NM_003482.4(KMT2D):c.12764G>A (p.Gly4255Asp)

Gene: KMT2D (lysine methyltransferase 2D; minus strand). Cytogenetic location: 12q13.12.
Variant type: single nucleotide variant.
Coding change: c.12764G>A on transcript NM_003482.4 (MANE Select); coding-DNA position 12764, G replaced by A.
Protein change: p.Gly4255Asp; replaces glycine 4255 with aspartic acid.
Molecular consequence: missense variant.
Genome position (GRCh38, 1-based): chr12:49,031,941, C>T on the plus strand (G>A on the coding strand, the complement: KMT2D is on the minus strand). VCF-style: chr12-49031941-C-T. GRCh37 (hg19) VCF-style: chr12-49425724-C-T.
Other names: short protein forms G4255D.
Identifiers: ClinVar variation 3357712 (VCV003357712.3).

ClinVar aggregate classification (germline): Benign. Review status: criteria provided, single submitter (1 of 4 stars). 2 submissions from 2 submitters: Benign (1). 1 of the submissions does not count toward it. Last evaluated 2024-09-12.

Conditions:
Kabuki syndrome. Also called: NIIKAWA-KUROKI SYNDROME; Kabuki make-up syndrome. Identifiers: Orphanet 2322, MedGen C0796004, MONDO:0016512.
KMT2D-related disorder. Also called: KMT2D-Related Disorders.

gnomAD v4.1: 3 of 1,547,390 alleles (0.00019%); highest among the groups gnomAD compares: East Asian, 0.0045%; no homozygotes.

Submissions (2):

Labcorp Genetics (formerly Invitae), Labcorp
Classification: Benign for Kabuki syndrome. Last evaluated: 2024-09-12. Review status: criteria provided, single submitter. Criteria: Invitae Variant Classification Sherloc (09022015). Collection method: clinical testing. Allele origin: germline.

PreventionGenetics, part of Exact Sciences
Classification: Uncertain significance for KMT2D-related condition. Last evaluated: 2024-07-03. Review status: no assertion criteria provided. Collection method: clinical testing. Allele origin: germline. Not counted in ClinVar's aggregate classification.
Comment: The KMT2D c.12764G>A variant is predicted to result in the amino acid substitution p.Gly4255Asp. To our knowledge, this variant has not been reported in the literature. This variant is reported in 0.012% of alleles in individuals of East Asian descent in gnomAD. Although we suspect that this variant may be benign, at this time, the clinical significance of this variant is uncertain due to the absence of conclusive functional and genetic evidence.